The following is an entry in ClinVar:

ClinVar aggregate classification (germline): Conflicting classifications of pathogenicity. Review status: criteria provided, conflicting classifications (1 of 4 stars). 4 submissions from 4 submitters: Uncertain significance (1); Likely benign (3). Last evaluated 2025-09-24.

Conditions:
Palmoplantar keratoderma, epidermolytic. Also called: Localized epidermolytic hyperkeratosis. Identifiers: MedGen C1721006, MONDO:0968949, HP:0007559.

Allele frequency attached by ClinVar (database versions not stated): TOPMed 0.00142; gnomAD 0.00143 and 0.00140; ESP Exome Variant Server 0.00169; 1000 Genomes Project 30x 0.00062; 1000 Genomes Project 0.00080; gnomAD exomes 0.00129.

Submissions (4):

Labcorp Genetics (formerly Invitae), Labcorp
Classification: Likely benign. Last evaluated: 2025-09-24. Review status: criteria provided, single submitter. Criteria: Invitae Variant Classification Sherloc (09022015). Collection method: clinical testing. Allele origin: germline.

Blueprint Genetics
Classification: Likely benign. Last evaluated: 2024-11-23. Review status: criteria provided, single submitter. Criteria: ACMG Guidelines, 2015. Collection method: clinical testing. Allele origin: germline.

CeGaT Center for Human Genetics Tuebingen
Classification: Likely benign. Last evaluated: 2024-09-01. Review status: criteria provided, single submitter. Criteria: CeGaT Center For Human Genetics Tuebingen Variant Classification Criteria Version 2. Collection method: clinical testing. Allele origin: germline. Affected: yes. Observed: 1 variant allele.
Comment: KRT9: BP4, BP7

Illumina Laboratory Services, Illumina
Classification: Uncertain significance for Epidermolytic palmoplantar keratoderma, 1. Last evaluated: 2018-01-13. Review status: criteria provided, single submitter. Criteria: ICSL Variant Classification Criteria 13 December 2019. Collection method: clinical testing. Allele origin: germline.

NM_000226.4(KRT9):c.1125C>T (p.His375=)

Gene: KRT9 (keratin 9; minus strand). Cytogenetic location: 17q21.2.
Variant type: single nucleotide variant.
Coding change: c.1125C>T on transcript NM_000226.4 (MANE Select); coding-DNA position 1125, C replaced by T.
Protein change: p.His375=; no amino-acid change (histidine 375 retained).
Molecular consequence: synonymous variant.
Genome position (GRCh38, 1-based): chr17:41,568,553, G>A on the plus strand (C>T on the coding strand, the complement: KRT9 is on the minus strand). VCF-style: chr17-41568553-G-A. GRCh37 (hg19) VCF-style: chr17-39724805-G-A.
Identifiers: ClinVar variation 323127 (VCV000323127.25), dbSNP rs114867228, ClinGen allele CA8562028.